The following is an entry in ClinVar:

NM_004168.4(SDHA):c.551G>C (p.Gly184Ala)

Gene: SDHA (succinate dehydrogenase complex flavoprotein subunit A; plus strand). Cytogenetic location: 5p15.33.
Variant type: single nucleotide variant.
Coding change: c.551G>C on transcript NM_004168.4 (MANE Select); coding-DNA position 551, G replaced by C.
Protein change: p.Gly184Ala; replaces glycine 184 with alanine.
Molecular consequence: missense variant.
Genome position (GRCh38, 1-based): chr5:225,977, G>C. VCF-style: chr5-225977-G-C. GRCh37 (hg19) VCF-style: chr5-226092-G-C.
Other names: c.407G>C, p.Gly136Ala (NM_001294332.2); c.551G>C, p.Gly184Ala (NM_001330758.2); short protein forms G136A, G184A.
Identifiers: ClinVar variation 825800 (VCV000825800.13), dbSNP rs1579385819, ClinGen allele CA359010368.

ClinVar aggregate classification (germline): Uncertain significance. Review status: criteria provided, multiple submitters, no conflicts (2 of 4 stars). 2 submissions from 2 submitters: Uncertain significance (2). Last evaluated 2022-07-19.

Conditions:
Hereditary cancer-predisposing syndrome. Also called: Tumor predisposition; Hereditary neoplastic syndrome; Neoplastic Syndromes, Hereditary; Hereditary Cancer Syndrome. Identifiers: Orphanet 140162, MedGen C0027672, MeSH D009386, MONDO:0015356.
Pheochromocytoma/paraganglioma syndrome 5. Also called: Paragangliomas 5; SDHA-Related Hereditary Paraganglioma-Pheochromocytoma Syndrome. Identifiers: Orphanet 29072, MedGen C3279992, MONDO:0013602, OMIM 614165.
Mitochondrial complex II deficiency, nuclear type 1. Also called: SUCCINATE CoQ REDUCTASE DEFICIENCY. Identifiers: Orphanet 3208, MedGen C5700310, MONDO:0100294, OMIM 252011.

Allele frequency attached by ClinVar (database versions not stated): TOPMed below 0.00001.

Submissions (2):

Labcorp Genetics (formerly Invitae), Labcorp
Classification: Uncertain significance for Pheochromocytoma/paraganglioma syndrome 5; Mitochondrial complex II deficiency, nuclear type 1. Last evaluated: 2022-07-19. Review status: criteria provided, single submitter. Criteria: Invitae Variant Classification Sherloc (09022015). Collection method: clinical testing. Allele origin: germline.
Comment: In summary, the available evidence is currently insufficient to determine the role of this variant in disease. Therefore, it has been classified as a Variant of Uncertain Significance. Advanced modeling of protein sequence and biophysical properties (such as structural, functional, and spatial information, amino acid conservation, physicochemical variation, residue mobility, and thermodynamic stability) performed at Invitae indicates that this missense variant is not expected to disrupt SDHA protein function. ClinVar contains an entry for this variant (Variation ID: 825800). This variant has not been reported in the literature in individuals affected with SDHA-related conditions. This variant is not present in population databases (gnomAD no frequency). This sequence change replaces glycine, which is neutral and non-polar, with alanine, which is neutral and non-polar, at codon 184 of the SDHA protein (p.Gly184Ala).

Ambry Genetics
Classification: Uncertain significance for Hereditary cancer-predisposing syndrome. Last evaluated: 2019-08-19. Review status: criteria provided, single submitter. Criteria: Ambry Variant Classification Scheme 2023. Collection method: clinical testing. Allele origin: germline.
Comment: The p.G184A variant (also known as c.551G>C), located in coding exon 5 of the SDHA gene, results from a G to C substitution at nucleotide position 551. The glycine at codon 184 is replaced by alanine, an amino acid with similar properties. This amino acid position is highly conserved in available vertebrate species. In addition, this alteration is predicted to be deleterious by in silico analysis. Since supporting evidence is limited at this time, the clinical significance of this alteration remains unclear.